The following is an entry in ClinVar:

NM_207352.4(CYP4V2):c.*1781A>C

Genes: CYP4V2 (cytochrome P450 family 4 subfamily V member 2; plus strand), KLKB1 (kallikrein B1; plus strand). Cytogenetic location: 4q35.2.
Variant type: single nucleotide variant.
Coding change: c.*1781A>C on transcript NM_207352.4 (MANE Select); 1781 bases downstream of the stop codon, A replaced by C.
Molecular consequence: 3 prime UTR variant.
Genome position (GRCh38, 1-based): chr4:186,212,422, A>C. VCF-style: chr4-186212422-A-C. GRCh37 (hg19) VCF-style: chr4-187133576-A-C.
Identifiers: ClinVar variation 348357 (VCV000348357.7), dbSNP rs6842047, ClinGen allele CA10618446.

ClinVar aggregate classification (germline): Benign. Review status: criteria provided, multiple submitters, no conflicts (2 of 4 stars). 4 submissions from 3 submitters: Benign (4). Last evaluated 2021-05-11.

Conditions:
Corneal dystrophy. Identifiers: Orphanet 34533, MedGen C0010036, MONDO:0018102, HP:0001131.
Bietti crystalline corneoretinal dystrophy (BCD). Also called: Bietti Crystalline Dystrophy; BIETTI TAPETORETINAL DEGENERATION WITH MARGINAL CORNEAL DYSTROPHY. Identifiers: Orphanet 41751, MedGen C1859486, MONDO:0008865, OMIM 210370.

Allele frequency attached by ClinVar (database versions not stated): TOPMed 0.89012; gnomAD 0.89051 and 0.89083; 1000 Genomes Project 0.90415; 1000 Genomes Project 30x 0.90475; gnomAD exomes 1.00000.
gnomAD v4.1: 135,673 of 152,242 alleles (89%); highest among the groups gnomAD compares: East Asian, 93%; 60,499 homozygotes.

Submissions (4):

GeneDx
Classification: Benign. Last evaluated: 2021-05-11. Review status: criteria provided, single submitter. Criteria: GeneDx Variant Classification Process June 2021. Collection method: clinical testing. Allele origin: germline. Affected: yes.

Illumina Laboratory Services, Illumina
Classification: Benign for Bietti crystalline corneoretinal dystrophy. Last evaluated: 2018-01-13. Review status: criteria provided, single submitter. Criteria: ICSL Variant Classification Criteria 13 December 2019. Collection method: clinical testing. Allele origin: germline.
Comment: This variant was observed in the ICSL laboratory as part of a predisposition screen in an ostensibly healthy population. It had not been previously curated by ICSL or reported in the Human Gene Mutation Database (HGMD: prior to June 1st, 2018), and was therefore a candidate for classification through an automated scoring system. Utilizing variant allele frequency, disease prevalence and penetrance estimates, and inheritance mode, an automated score was calculated to assess if this variant is too frequent to cause the disease. Based on the score and internal cut-off values, a variant classified as benign is not then subjected to further curation. The score for this variant resulted in a classification of benign for this disease.

Illumina Laboratory Services, Illumina
Classification: Benign for Corneal dystrophy. Last evaluated: 2018-01-13. Review status: criteria provided, single submitter. Criteria: ICSL Variant Classification Criteria 13 December 2019. Collection method: clinical testing. Allele origin: germline.
Comment: the same text as in the submission from Illumina Laboratory Services, Illumina above.

Breakthrough Genomics
Classification: Benign. Review status: criteria provided, single submitter. Criteria: ACMG Guidelines, 2015. Collection method: not provided. Allele origin: germline. Inheritance: Autosomal recessive inheritance. Affected: yes.